The following is an entry in ClinVar:

NM_005639.3(SYT1):c.939G>A (p.Val313=)

Gene: SYT1 (synaptotagmin 1; plus strand). Cytogenetic location: 12q21.2.
Variant type: single nucleotide variant.
Coding change: c.939G>A on transcript NM_005639.3 (MANE Select); coding-DNA position 939, G replaced by A.
Protein change: p.Val313=; no amino-acid change (valine 313 retained).
Molecular consequence: synonymous variant.
Genome position (GRCh38, 1-based): chr12:79,444,083, G>A. VCF-style: chr12-79444083-G-A. GRCh37 (hg19) VCF-style: chr12-79837863-G-A.
Other names: c.939G>A, p.Val313= (NM_001135805.2, NM_001135806.2, NM_001415938.1 and 2 more transcripts); c.930G>A, p.Val310= (NM_001291901.2, NM_001415941.1, NM_001415942.1 and 1 more transcripts).
Identifiers: ClinVar variation 3389631 (VCV003389631.14).

ClinVar aggregate classification (germline): Likely benign (1 of 4 stars; one submission).

gnomAD v4.1: 1 of 1,613,164 alleles (0.000062%); highest among the groups gnomAD compares: Admixed American, 0.0017%; no homozygotes.

Submission:

CeGaT Center for Human Genetics Tuebingen
Classification: Likely benign. Last evaluated: 2024-09-01. Review status: criteria provided, single submitter. Criteria: CeGaT Center For Human Genetics Tuebingen Variant Classification Criteria Version 2. Collection method: clinical testing. Allele origin: germline. Affected: yes. Observed: 1 variant allele.
Comment: SYT1: BP4, BP7